The following is an entry in ClinVar:

ClinVar aggregate classification (germline): Uncertain significance (1 of 4 stars; one submission).

Allele frequency attached by ClinVar (database versions not stated): gnomAD exomes below 0.00001; ExAC 0.00001; TOPMed 0.00003; gnomAD 0.00005.

Submission:

Labcorp Genetics (formerly Invitae), Labcorp
Classification: Uncertain significance. Last evaluated: 2022-05-29. Review status: criteria provided, single submitter. Criteria: Invitae Variant Classification Sherloc (09022015). Collection method: clinical testing. Allele origin: germline.
Comment: In summary, the available evidence is currently insufficient to determine the role of this variant in disease. Therefore, it has been classified as a Variant of Uncertain Significance. Algorithms developed to predict the effect of sequence changes on RNA splicing suggest that this variant may disrupt the consensus splice site. Algorithms developed to predict the effect of missense changes on protein structure and function output the following: SIFT: "Tolerated"; PolyPhen-2: "Benign"; Align-GVGD: "Class C0". The serine amino acid residue is found in multiple mammalian species, which suggests that this missense change does not adversely affect protein function. This variant has not been reported in the literature in individuals affected with GPAA1-related conditions. This variant is present in population databases (rs782695783, gnomAD 0.03%). This sequence change replaces glycine, which is neutral and non-polar, with serine, which is neutral and polar, at codon 286 of the GPAA1 protein (p.Gly286Ser).

NM_003801.4(GPAA1):c.856G>A (p.Gly286Ser)

Gene: GPAA1 (glycosylphosphatidylinositol anchor attachment 1; plus strand). Cytogenetic location: 8q24.3.
Variant type: single nucleotide variant.
Coding change: c.856G>A on transcript NM_003801.4 (MANE Select); coding-DNA position 856, G replaced by A.
Protein change: p.Gly286Ser; replaces glycine 286 with serine.
Molecular consequence: missense variant.
Genome position (GRCh38, 1-based): chr8:144,084,455, G>A. VCF-style: chr8-144084455-G-A. GRCh37 (hg19) VCF-style: chr8-145139358-G-A.
Other names: short protein forms G286S.
Identifiers: ClinVar variation 1949406 (VCV001949406.4), dbSNP rs782695783, ClinGen allele CA4932956.